The following is an entry in ClinVar:

NM_153816.6(SNX14):c.1475+1G>A

Gene: SNX14 (sorting nexin 14; minus strand). Cytogenetic location: 6q14.3.
Variant type: single nucleotide variant.
Coding change: c.1475+1G>A on transcript NM_153816.6 (MANE Select); the canonical splice donor site of the intron after coding-DNA position 1475, G replaced by A.
Molecular consequence: splice donor variant. On other transcripts: intron variant (5).
Genome position (GRCh38, 1-based): chr6:85,538,837, C>T on the plus strand (G>A on the coding strand, the complement: SNX14 is on the minus strand). VCF-style: chr6-85538837-C-T. GRCh37 (hg19) VCF-style: chr6-86248555-C-T.
Other names: c.1184+1G>A (NM_001350543.2); c.1316+1G>A (NM_001350539.2); c.1187+1G>A (NM_001350542.2); c.1031+1G>A (NM_001350546.2, NM_001350545.2); c.425+1G>A (NM_001350547.2); c.1175+1G>A (NM_001350544.2); c.294-1913G>A (NM_001350553.2); c.320+1G>A (NM_001350549.2, NM_001350548.2, NM_001350551.2 and 2 more transcripts); and 10 more.
Identifiers: ClinVar variation 4292559 (VCV004292559.1).

ClinVar aggregate classification (germline): Pathogenic (1 of 4 stars; one submission).

Conditions:
Autosomal recessive spinocerebellar ataxia 20. Identifiers: Orphanet 397709, MedGen C5190595, MONDO:0014601, OMIM 616354.

gnomAD v4.1: 21 of 1,594,966 alleles (0.0013%); highest among the groups gnomAD compares: East Asian, 0.041%; no homozygotes.

Submission:

3billion
Classification: Pathogenic for Autosomal recessive spinocerebellar ataxia 20. Last evaluated: 2024-11-27. Review status: criteria provided, single submitter. Criteria: ACMG Guidelines, 2015. Collection method: clinical testing. Allele origin: germline. Affected: yes.
Comment: The variant is observed at an extremely low frequency in the gnomAD v4.1.0 dataset (total allele frequency: 0.001%). Predicted Consequence/Location: Canonical splice site: predicted to alter splicing and result in a loss or disruption of normal protein function. Multiple pathogenic loss-of-function variants are reported downstream of the variant. Therefore, this variant is classified as Pathogenic according to the recommendation of ACMG/AMP guideline.